The following is an entry in ClinVar:

NM_014249.4(NR2E3):c.349+1G>T

Gene: NR2E3 (nuclear receptor subfamily 2 group E member 3; plus strand). Cytogenetic location: 15q23.
Variant type: single nucleotide variant.
Coding change: c.349+1G>T on transcript NM_014249.4 (MANE Select); the canonical splice donor site of the intron after coding-DNA position 349, G replaced by T.
Molecular consequence: splice donor variant.
Genome position (GRCh38, 1-based): chr15:71,811,870, G>T. VCF-style: chr15-71811870-G-T. GRCh37 (hg19) VCF-style: chr15-72104210-G-T.
Other names: c.349+1G>T (NM_016346.4).
Identifiers: ClinVar variation 1066357 (VCV001066357.7), dbSNP rs1488679790, ClinGen allele CA393033776.

ClinVar aggregate classification (germline): Likely pathogenic (1 of 4 stars; one submission).

gnomAD v4.1: 1 of 1,551,030 alleles (0.000064%); no homozygotes.

Submission:

Labcorp Genetics (formerly Invitae), Labcorp
Classification: Likely pathogenic. Last evaluated: 2023-12-30. Review status: criteria provided, single submitter. Criteria: Invitae Variant Classification Sherloc (09022015). Collection method: clinical testing. Allele origin: germline.
Comment: This sequence change affects a donor splice site in intron 3 of the NR2E3 gene. It is expected to disrupt RNA splicing. Variants that disrupt the donor or acceptor splice site typically lead to a loss of protein function (PMID: 16199547), and loss-of-function variants in NR2E3 are known to be pathogenic (PMID: 15459973, 27522502). This variant is present in population databases (no rsID available, gnomAD 0.007%). This variant has not been reported in the literature in individuals affected with NR2E3-related conditions. ClinVar contains an entry for this variant (Variation ID: 1066357). Algorithms developed to predict the effect of sequence changes on RNA splicing suggest that this variant may disrupt the consensus splice site. In summary, the currently available evidence indicates that the variant is pathogenic, but additional data are needed to prove that conclusively. Therefore, this variant has been classified as Likely Pathogenic.

Literature cited by the submitters: PubMed 16199547; PubMed 15459973; PubMed 27522502.